The following is an entry in ClinVar:

NM_018646.6(TRPV6):c.658C>T (p.Arg220Trp)

Gene: TRPV6 (transient receptor potential cation channel subfamily V member 6; minus strand). Cytogenetic location: 7q34.
Variant type: single nucleotide variant.
Coding change: c.658C>T on transcript NM_018646.6 (MANE Select); coding-DNA position 658, C replaced by T.
Protein change: p.Arg220Trp; replaces arginine 220 with tryptophan.
Molecular consequence: missense variant.
Genome position (GRCh38, 1-based): chr7:142,876,787, G>A on the plus strand (C>T on the coding strand, the complement: TRPV6 is on the minus strand). VCF-style: chr7-142876787-G-A. GRCh37 (hg19) VCF-style: chr7-142574540-G-A.
Other names: c.538C>T (NM_018646.2); short protein forms R220W.
Identifiers: ClinVar variation 3637409 (VCV003637409.3).

ClinVar aggregate classification (germline): Uncertain significance. Review status: criteria provided, multiple submitters, no conflicts (2 of 4 stars). 2 submissions from 2 submitters: Uncertain significance (2). Last evaluated 2025-05-14.

Conditions:
Inborn genetic diseases. Identifiers: MedGen C0950123, MeSH D030342.

gnomAD v4.1: 116 of 1,613,932 alleles (0.0072%); highest among the groups gnomAD compares: Middle Eastern, 0.016%; no homozygotes.

Submissions (2):

Ambry Genetics
Classification: Uncertain significance for Inborn genetic diseases. Last evaluated: 2025-05-14. Review status: criteria provided, single submitter. Criteria: Ambry Variant Classification Scheme 2023. Collection method: clinical testing. Allele origin: germline.

Labcorp Genetics (formerly Invitae), Labcorp
Classification: Uncertain significance. Last evaluated: 2025-04-13. Review status: criteria provided, single submitter. Criteria: Invitae Variant Classification Sherloc (09022015). Collection method: clinical testing. Allele origin: germline.
Comment: This sequence change replaces arginine, which is basic and polar, with tryptophan, which is neutral and slightly polar, at codon 220 of the TRPV6 protein (p.Arg220Trp). This variant is present in population databases (rs369340306, gnomAD 0.01%). This missense change has been observed in individual(s) with chronic pancreatitis (PMID: 34923708). ClinVar contains an entry for this variant (Variation ID: 3637409). Algorithms developed to predict the effect of variants on gene product structure and function are not available or were not evaluated for this variant. Experimental studies have shown that this missense change does not substantially affect TRPV6 function (PMID: 34923708). In summary, the available evidence is currently insufficient to determine the role of this variant in disease. Therefore, it has been classified as a Variant of Uncertain Significance.

Literature cited by the submitters: PubMed 34923708 (cited by Labcorp Genetics (formerly Invitae), Labcorp).